The following is an entry in ClinVar:

NM_007363.5(NONO):c.1110C>G (p.Phe370Leu)

Gene: NONO (non-POU domain containing octamer binding; plus strand). Cytogenetic location: Xq13.1.
Variant type: single nucleotide variant.
Coding change: c.1110C>G on transcript NM_007363.5 (MANE Select); coding-DNA position 1110, C replaced by G.
Protein change: p.Phe370Leu; replaces phenylalanine 370 with leucine.
Molecular consequence: missense variant.
Genome position (GRCh38, 1-based): chrX:71,297,917, C>G. VCF-style: chrX-71297917-C-G. GRCh37 (hg19) VCF-style: chrX-70517767-C-G.
Other names: c.1110C>G, p.Phe370Leu (NM_001145408.2, NM_001145409.2); c.843C>G, p.Phe281Leu (NM_001145410.2); short protein forms F370L, F281L.
Identifiers: ClinVar variation 3680186 (VCV003680186.2).

ClinVar aggregate classification (germline): Uncertain significance (1 of 4 stars; one submission).

gnomAD v4.1: 4 of 1,195,303 alleles (0.00033%); highest among the groups gnomAD compares: Admixed American, 0.0088%; no homozygotes.

Submission:

Labcorp Genetics (formerly Invitae), Labcorp
Classification: Uncertain significance. Last evaluated: 2024-11-12. Review status: criteria provided, single submitter. Criteria: Invitae Variant Classification Sherloc (09022015). Collection method: clinical testing. Allele origin: germline.
Comment: This sequence change replaces phenylalanine, which is neutral and non-polar, with leucine, which is neutral and non-polar, at codon 370 of the NONO protein (p.Phe370Leu). This variant is present in population databases (no rsID available, gnomAD 0.01%), including at least one homozygous and/or hemizygous individual. This variant has not been reported in the literature in individuals affected with NONO-related conditions. Invitae Evidence Modeling of protein sequence and biophysical properties (such as structural, functional, and spatial information, amino acid conservation, physicochemical variation, residue mobility, and thermodynamic stability) indicates that this missense variant is not expected to disrupt NONO protein function with a negative predictive value of 80%. In summary, the available evidence is currently insufficient to determine the role of this variant in disease. Therefore, it has been classified as a Variant of Uncertain Significance.